The following is an entry in ClinVar:

ClinVar aggregate classification (germline): Pathogenic (1 of 4 stars; one submission).

Conditions:
LAMA2-related muscular dystrophy (LAMA2-RD). Also called: Laminin alpha 2-related dystrophy. Identifiers: MedGen C5679788, MONDO:0100228.

Allele frequency attached by ClinVar (database versions not stated): gnomAD exomes below 0.00001.
gnomAD v4.1: 1 of 1,613,318 alleles (0.000062%); highest among the groups gnomAD compares: Non-Finnish European, 0.000085%; no homozygotes.

Submission:

Labcorp Genetics (formerly Invitae), Labcorp
Classification: Pathogenic for LAMA2-related muscular dystrophy. Last evaluated: 2024-02-17. Review status: criteria provided, single submitter. Criteria: Invitae Variant Classification Sherloc (09022015). Collection method: clinical testing. Allele origin: germline.
Comment: This sequence change creates a premature translational stop signal (p.Cys807*) in the LAMA2 gene. It is expected to result in an absent or disrupted protein product. Loss-of-function variants in LAMA2 are known to be pathogenic (PMID: 18700894, 32904964). This variant is not present in population databases (gnomAD no frequency). This variant has not been reported in the literature in individuals affected with LAMA2-related conditions. For these reasons, this variant has been classified as Pathogenic.

Literature cited by the submitters: PubMed 18700894; PubMed 32904964.

NM_000426.4(LAMA2):c.2421T>A (p.Cys807Ter)

Gene: LAMA2 (laminin subunit alpha 2; plus strand). Cytogenetic location: 6q22.33.
Variant type: single nucleotide variant.
Coding change: c.2421T>A on transcript NM_000426.4 (MANE Select); coding-DNA position 2421, T replaced by A.
Protein change: p.Cys807Ter; replaces cysteine 807 with a stop codon.
Molecular consequence: nonsense.
Genome position (GRCh38, 1-based): chr6:129,270,722, T>A. VCF-style: chr6-129270722-T-A. GRCh37 (hg19) VCF-style: chr6-129591867-T-A.
Other names: c.2421T>A, p.Cys807Ter (NM_001079823.2); short protein forms C807*.
Identifiers: ClinVar variation 2728928 (VCV002728928.3), dbSNP rs2482210602, ClinGen allele CA365609193.